The following is an entry in ClinVar:

NM_144631.6(ZNF513):c.268G>C (p.Gly90Arg)

Gene: ZNF513 (zinc finger protein 513; minus strand). Cytogenetic location: 2p23.3.
Variant type: single nucleotide variant.
Coding change: c.268G>C on transcript NM_144631.6 (MANE Select); coding-DNA position 268, G replaced by C.
Protein change: p.Gly90Arg; replaces glycine 90 with arginine.
Molecular consequence: missense variant.
Genome position (GRCh38, 1-based): chr2:27,378,998, C>G on the plus strand (G>C on the coding strand, the complement: ZNF513 is on the minus strand). VCF-style: chr2-27378998-C-G. GRCh37 (hg19) VCF-style: chr2-27601865-C-G.
Other names: c.82G>C, p.Gly28Arg (NM_001201459.2); short protein forms G28R, G90R.
Identifiers: ClinVar variation 2485685 (VCV002485685.5), dbSNP rs769139934, ClinGen allele CA1578087.
Genomic context (GRCh38, chr2:27,378,998, plus strand): 5'-CCCCTGGACCCCTGGCTGGCTCCTCAACTTCACTCTCCGCACTTAGTGCCCGGCCGCCCC[C>G]AGACTCATCGTCGCTCAGCCCATAGGGAAGCCCAGGCCTGGCCCCCAGAGAGTCTCCTGG-3'
Protein context (NP_653232.3, residues 80-100): LPYGLSDDES[Gly90Arg]GGRALSAESE

ClinVar aggregate classification (germline): Uncertain significance. Review status: criteria provided, multiple submitters, no conflicts (2 of 4 stars). 3 submissions from 3 submitters: Uncertain significance (3). Last evaluated 2024-11-16.

Allele frequency attached by ClinVar (database versions not stated): gnomAD 0.00001; TOPMed 0.00001; ExAC 0.00002.

Submissions (3):

Labcorp Genetics (formerly Invitae), Labcorp
Classification: Uncertain significance. Last evaluated: 2024-11-16. Review status: criteria provided, single submitter. Criteria: Invitae Variant Classification Sherloc (09022015). Collection method: clinical testing. Allele origin: germline.
Comment: This sequence change replaces glycine, which is neutral and non-polar, with arginine, which is basic and polar, at codon 90 of the ZNF513 protein (p.Gly90Arg). This variant is present in population databases (rs769139934, gnomAD 0.002%). This variant has not been reported in the literature in individuals affected with ZNF513-related conditions. ClinVar contains an entry for this variant (Variation ID: 2485685). An algorithm developed to predict the effect of missense changes on protein structure and function (PolyPhen-2) suggests that this variant is likely to be disruptive. In summary, the available evidence is currently insufficient to determine the role of this variant in disease. Therefore, it has been classified as a Variant of Uncertain Significance.

Ambry Genetics
Classification: Uncertain significance. Last evaluated: 2023-02-16. Review status: criteria provided, single submitter. Criteria: Ambry Variant Classification Scheme 2023. Collection method: clinical testing. Allele origin: germline.

Blueprint Genetics
Classification: Uncertain significance. Last evaluated: 2022-08-26. Review status: criteria provided, single submitter. Criteria: ACMG Guidelines, 2015. Collection method: clinical testing. Allele origin: germline.